The following is an entry in ClinVar:

NM_001283009.2(RTEL1):c.1834C>T (p.Pro612Ser)

Genes: RTEL1 (regulator of telomere elongation helicase 1; plus strand), RTEL1-TNFRSF6B (RTEL1-TNFRSF6B readthrough (NMD candidate); plus strand). Cytogenetic location: 20q13.33.
Variant type: single nucleotide variant.
Coding change: c.1834C>T on transcript NM_001283009.2 (MANE Select); coding-DNA position 1834, C replaced by T.
Protein change: p.Pro612Ser; replaces proline 612 with serine.
Molecular consequence: missense variant. On other transcripts: non-coding transcript variant (1).
Genome position (GRCh38, 1-based): chr20:63,689,088, C>T. VCF-style: chr20-63689088-C-T. GRCh37 (hg19) VCF-style: chr20-62320441-C-T.
Other names: c.1165C>T, p.Pro389Ser (NM_001283010.1); c.1834C>T, p.Pro612Ser (NM_016434.4); c.1906C>T, p.Pro636Ser (NM_032957.5); short protein forms P389S, P612S, P636S.
Identifiers: ClinVar variation 4157572 (VCV004157572.1).

ClinVar aggregate classification (germline): Uncertain significance (1 of 4 stars; one submission).

Conditions:
Inborn genetic diseases. Identifiers: MedGen C0950123, MeSH D030342.

Submission:

Ambry Genetics
Classification: Uncertain significance for Inborn genetic diseases. Last evaluated: 2025-06-25. Review status: criteria provided, single submitter. Criteria: Ambry Variant Classification Scheme 2023. Collection method: clinical testing. Allele origin: germline.
Comment: The p.P612S variant (also known as c.1834C>T), located in coding exon 21 of the RTEL1 gene, results from a C to T substitution at nucleotide position 1834. The proline at codon 612 is replaced by serine, an amino acid with similar properties. This amino acid position is conserved. In addition, the in silico prediction for this alteration is inconclusive. Based on the available evidence, the clinical significance of this variant remains unclear.